The following is an entry in ClinVar:

NM_000179.3(MSH6):c.817G>T (p.Gly273Ter)

Gene: MSH6 (mutS homolog 6; plus strand). Cytogenetic location: 2p16.3.
Variant type: single nucleotide variant.
Coding change: c.817G>T on transcript NM_000179.3 (MANE Select); coding-DNA position 817, G replaced by T.
Protein change: p.Gly273Ter; replaces glycine 273 with a stop codon.
Molecular consequence: nonsense. On other transcripts: 5 prime UTR variant (2).
Genome position (GRCh38, 1-based): chr2:47,798,800, G>T. VCF-style: chr2-47798800-G-T. GRCh37 (hg19) VCF-style: chr2-48025939-G-T.
Other names: c.427G>T, p.Gly143Ter (NM_001281492.2); c.-90G>T (NM_001281493.2, NM_001281494.2); short protein forms G273*, G143*.
Identifiers: ClinVar variation 421498 (VCV000421498.3), dbSNP rs587779948, ClinGen allele CA16617637.
Genomic context (GRCh38, chr2:47,798,800, plus strand): 5'-GATTCTGAGAGTGACATTGGTGGCTCTGATGTGGAATTTAAGCCAGACACTAAGGAGGAA[G>T]GAAGCAGTGATGAAATAAGCAGTGGAGTGGGGGATAGTGAGAGTGAAGGCCTGAACAGCC-3'

ClinVar aggregate classification (germline): Pathogenic. Review status: criteria provided, multiple submitters, no conflicts (2 of 4 stars). 2 submissions from 2 submitters: Pathogenic (2). Last evaluated 2024-05-28.

Conditions:
Lynch syndrome 5 (LYNCH5). Also called: Colorectal cancer, hereditary nonpolyposis, type 5; Hereditary non-polyposis colorectal cancer, type 5. Identifiers: Orphanet 144, MedGen C1833477, MONDO:0013710, OMIM 614350. Disease mechanism: loss of function.

Submissions (2):

Myriad Genetics, Inc.
Classification: Pathogenic for Lynch syndrome 5. Last evaluated: 2024-05-28. Review status: criteria provided, single submitter. Criteria: Myriad Autosomal Dominant, Autosomal Recessive and X-Linked Classification Criteria (2023). Collection method: clinical testing. Allele origin: unknown.
Comment: This variant is considered pathogenic. This variant creates a termination codon and is predicted to result in premature protein truncation.

GeneDx
Classification: Pathogenic. Last evaluated: 2016-06-21. Review status: criteria provided, single submitter. Criteria: GeneDx Variant Classification (06012015). Collection method: clinical testing. Allele origin: germline. Affected: yes.
Comment: This variant is denoted MSH6 c.817G>T at the cDNA level and p.Gly273Ter (G273X) at the protein level. The substitution creates a nonsense variant, which changes a Glycine to a premature stop codon (GGA>TGA), and is predicted to cause loss of normal protein function through either protein truncation or nonsense-mediated mRNA decay. Although this variant has not, to our knowledge, been reported in the literature, it is considered pathogenic.